The following is an entry in ClinVar:

ClinVar aggregate classification (germline): Pathogenic. Review status: criteria provided, multiple submitters, no conflicts (2 of 4 stars). 3 submissions from 3 submitters: Pathogenic (3). Last evaluated 2024-05-14.

Conditions:
VPS13A-related neurodegenerative disease. Also called: LEVINE-CRITCHLEY SYNDROME; VPS13A Disease; ACANTHOCYTOSIS WITH NEUROLOGIC DISORDER; Choreaacanthocytosis; Choreoacanthocytosis; Chorea-acanthocytosis. Identifiers: Orphanet 2388, MedGen C0393576, MONDO:0008695, OMIM 200150.

Submissions (3):

Myriad Genetics, Inc.
Classification: Pathogenic for VPS13A-related neurodegenerative disease. Last evaluated: 2024-05-14. Review status: criteria provided, single submitter. Criteria: Myriad Autosomal Dominant, Autosomal Recessive and X-Linked Classification Criteria (2023). Collection method: clinical testing. Allele origin: unknown.
Comment: NM_033305.2(VPS13A):c.5909_5910delAG(E1970Vfs*4) is expected to be pathogenic in the context of VPS13A disease. This variant is predicted to lead to an abnormal or absent protein product due to the creation of a premature termination codon in VPS13A, a gene where loss-of-function variants are known to be pathogenic. Please note: this variant was assessed in the context of healthy population screening.

Labcorp Genetics (formerly Invitae), Labcorp
Classification: Pathogenic. Last evaluated: 2023-05-17. Review status: criteria provided, single submitter. Criteria: Invitae Variant Classification Sherloc (09022015). Collection method: clinical testing. Allele origin: germline.
Comment: For these reasons, this variant has been classified as Pathogenic. This sequence change creates a premature translational stop signal (p.Glu1970Valfs*4) in the VPS13A gene. It is expected to result in an absent or disrupted protein product. Loss-of-function variants in VPS13A are known to be pathogenic (PMID: 12404112, 21598378). This variant is present in population databases (no rsID available, gnomAD 0.002%). This premature translational stop signal has been observed in individual(s) with VPS13A-related symptoms (PMID: 15293285). ClinVar contains an entry for this variant (Variation ID: 857694).

Neuberg Centre For Genomic Medicine, NCGM
Classification: Pathogenic for VPS13A-related neurodegenerative disease. Review status: criteria provided, single submitter. Criteria: ACMG Guidelines, 2015. Collection method: clinical testing. Allele origin: germline. Inheritance: Autosomal recessive inheritance. Affected: yes.
Comment: The frameshift (p.Glu1970ValfsTer4) variant has been reported previously in homozygous state in one patient affected with Choreoacanthocytosis (Lossos, A. et. al., 2005). The p.Glu1970ValfsTer4 variant is novel (not in any individuals) in 1000 Genomes and has allele frequency of 0008% in gnomAD database. Lossof-function variants in VPS13A are known to be Pathogenic (Dobson-Stone C. et. al., 2002; Tomiyasu A. et. al., 2011). The observed variant has been reported to ClinVar as Pathogenic. This variant causes a frameshift starting with codon Glutamic Acid 1970, changes this amino acid to Valine residue, and creates a premature stop codon at position 4 of the new reading frame, denoted p.Glu1970ValfsTer4. For these reasons, this variant has been classified as Pathogenic.

Literature cited by the submitters: PubMed 12404112 (cited by Labcorp Genetics (formerly Invitae), Labcorp); PubMed 21598378 (cited by Labcorp Genetics (formerly Invitae), Labcorp); PubMed 15293285 (cited by Labcorp Genetics (formerly Invitae), Labcorp).

NM_033305.3(VPS13A):c.5909_5910del (p.Glu1970fs)

Gene: VPS13A (vacuolar protein sorting 13 homolog A; plus strand). Cytogenetic location: 9q21.2.
Variant type: Microsatellite.
Coding change: c.5909_5910del on transcript NM_033305.3 (MANE Select); coding-DNA positions 5909 to 5910, 2 bases deleted (AG; older notation c.5909_5910delAG).
Protein change: p.Glu1970fs; shifts the reading frame from glutamic acid 1970.
Molecular consequence: frameshift variant.
Genome position (GRCh38, 1-based): chr9:77,323,145-77,323,146, AG deleted; deleting any 2 consecutive bases within chr9:77,323,141-77,323,146 gives the same sequence; the c. name uses the placement nearest the transcript's 3' end. VCF-style (leftmost placement, unchanged base first): chr9-77323140-CAG-C. GRCh37 (hg19) VCF-style: chr9-79938056-CAG-C.
Other names: c.5792_5793del, p.Glu1931fs (NM_001018037.2); c.5909_5910del, p.Glu1970fs (NM_001018038.3, NM_015186.4); short protein forms E1931fs, E1970fs.
Identifiers: ClinVar variation 857694 (VCV000857694.10), dbSNP rs1251833565, ClinGen allele CA588651480.
Genomic context (GRCh38, chr9:77,323,140, plus strand): 5'-TTCTACTGCTGATAAGATTCCTTTAACAAAAGTGGGACGACGTCTGTACACTGTAAGACA[CAG>C]AGAGTCTGGCGTTGAAAGATCTATTGTTTGTCAAATTGATACAGTAGAAGGAAGTAAGAA-3'